The following is an entry in ClinVar:

ClinVar aggregate classification (germline): Likely pathogenic (1 of 4 stars; one submission).

Conditions:
Mitochondrial complex IV deficiency, nuclear type 1 (MC4DN1). Also called: COX DEFICIENCY; Mitochondrial complex IV deficiency; Complex 4 mitochondrial respiratory chain deficiency; Deficiency of mitochondrial respiratory chain complex4; Complex IV deficiency. Identifiers: MedGen C5435656, MONDO:0700250, OMIM 220110. Disease mechanism: loss of function.

Submission:

Institute of Human Genetics, University of Leipzig Medical Center
Classification: Likely pathogenic for Mitochondrial complex IV deficiency, nuclear type 1. Last evaluated: 2025-06-02. Review status: criteria provided, single submitter. Criteria: ACMG Guidelines, 2015. Collection method: clinical testing. Allele origin: paternal. Inheritance: Autosomal recessive inheritance. Affected: yes.
Comment: Criteria applied: PVS1_STR, PM2,PM3

NM_003172.4(SURF1):c.324-146_516-364del

Gene: SURF1 (SURF1 cytochrome c oxidase assembly factor; minus strand). Cytogenetic location: 9q34.2.
Variant type: Deletion.
Coding change: c.324-146_516-364del on transcript NM_003172.4 (MANE Select); 146 bases into the intron before coding-DNA position 324 through 364 bases into the intron before coding-DNA position 516, 957 bases deleted.
Molecular consequence: splice acceptor variant, splice donor variant. On other transcripts: initiator codon variant (1).
Genome position (GRCh38, 1-based): chr9:133,353,130-133,354,086, 957 bases deleted. GRCh37 (hg19): chr9:136,219,985-136,220,941.
Other names: c.-4-146_189-364del (NM_001280787.1).
Identifiers: ClinVar variation 4857426 (VCV004857426.1).